The following is an entry in ClinVar:

NM_130839.5(UBE3A):c.237_238del (p.Leu79_Cys80insTer)

Genes: SNHG14 (small nucleolar RNA host gene 14; plus strand), UBE3A (ubiquitin protein ligase E3A; minus strand). Cytogenetic location: 15q11.2.
Variant type: Microsatellite.
Coding change: c.237_238del on transcript NM_130839.5 (MANE Select); coding-DNA positions 237 to 238, 2 bases deleted (CT; older notation c.237_238delCT).
Protein change: p.Leu79_Cys80insTer.
Molecular consequence: frameshift variant. On other transcripts: nonsense (2), non-coding transcript variant (1).
Genome position (GRCh38, 1-based): chr15:25,375,588-25,375,589, AG deleted on the plus strand (CT on the coding strand, the reverse complement: UBE3A is on the minus strand); deleting any 2 consecutive bases within chr15:25,375,588-25,375,591 gives the same sequence; the c. name uses the placement nearest the transcript's 3' end. VCF-style (leftmost placement, unchanged base first): chr15-25375587-CAG-C. GRCh37 (hg19) VCF-style: chr15-25620734-CAG-C.
Other names: c.177_178delCT (NM_130838.1); c.246_247del, p.Leu82_Cys83insTer (NM_000462.5); c.237_238del, p.Leu79_Cys80insTer (NM_001354505.1, NM_001354538.2, NM_001354545.2 and 1 more transcripts); c.177_178del, p.Leu59_Cys60insTer (NM_001354506.2, NM_001354507.2, NM_001354508.2 and 18 more transcripts); c.60_61del, p.Leu20_Cys21insTer (NM_001354546.2); c.175_176CT[1], p.Cys60Terfs (NM_130838.1).
Identifiers: ClinVar variation 2614339 (VCV002614339.2), dbSNP rs2552193036, ClinGen allele CA2582341776.

ClinVar aggregate classification (germline): Pathogenic (1 of 4 stars; one submission).

Conditions:
Inborn genetic diseases. Identifiers: MedGen C0950123, MeSH D030342.

Submission:

Ambry Genetics
Classification: Pathogenic for Inborn genetic diseases. Last evaluated: 2023-08-23. Review status: criteria provided, single submitter. Criteria: Ambry Variant Classification Scheme 2023. Collection method: clinical testing. Allele origin: germline.
Comment: The c.177_178delCT (p.C60*) alteration, located in exon 2 (coding exon 2) of the UBE3A gene, consists of a deletion of 2 nucleotides from position 177 to 178, causing a translational frameshift with a predicted alternate stop codon after amino acids. This alteration is expected to result in loss of function by premature protein truncation or nonsense-mediated mRNA decay. This variant was not reported in population-based cohorts in the Genome Aggregation Database (gnomAD). This alteration has been reported in two siblings with features consistent with Angelman syndrome (Turchetti, 2006). Based on the available evidence, this alteration is classified as pathogenic.

Literature cited by the submitters: PubMed 17009341.